The following is an entry in ClinVar:

NM_000059.4(BRCA2):c.7862A>T (p.Tyr2621Phe)

Gene: BRCA2 (BRCA2 DNA repair associated; plus strand). Cytogenetic location: 13q13.1.
Variant type: single nucleotide variant.
Coding change: c.7862A>T on transcript NM_000059.4 (MANE Select); coding-DNA position 7862, A replaced by T.
Protein change: p.Tyr2621Phe; replaces tyrosine 2621 with phenylalanine.
Molecular consequence: missense variant.
Genome position (GRCh38, 1-based): chr13:32,362,579, A>T. VCF-style: chr13-32362579-A-T. GRCh37 (hg19) VCF-style: chr13-32936716-A-T.
Other names: short protein forms Y2621F.
Identifiers: ClinVar variation 575177 (VCV000575177.9), dbSNP rs1566244772, ClinGen allele CA387747073.

ClinVar aggregate classification (germline): Uncertain significance (1 of 4 stars; one submission).

Conditions:
Hereditary breast ovarian cancer syndrome. Also called: BRCA1- and BRCA2-Associated Hereditary Breast and Ovarian Cancer; Hereditary breast and ovarian cancer; Hereditary breast and/or ovarian cancer syndrome; Hereditary breast and ovarian cancer syndrome; Hereditary breast and ovarian cancer syndrome (HBOC); Breast and ovarian cancer. Identifiers: Orphanet 145, MedGen C0677776, MeSH D061325, MONDO:0003582. Disease mechanism: loss of function.

Submission:

Labcorp Genetics (formerly Invitae), Labcorp
Classification: Uncertain significance for Hereditary breast ovarian cancer syndrome. Last evaluated: 2018-04-27. Review status: criteria provided, single submitter. Criteria: Invitae Variant Classification Sherloc (09022015). Collection method: clinical testing. Allele origin: germline.
Comment: This variant has not been reported in the literature in individuals with BRCA2-related disease. This variant is not present in population databases (ExAC no frequency). This sequence change replaces tyrosine with phenylalanine at codon 2621 of the BRCA2 protein (p.Tyr2621Phe). The tyrosine residue is moderately conserved and there is a small physicochemical difference between tyrosine and phenylalanine. In summary, the available evidence is currently insufficient to determine the role of this variant in disease. Therefore, it has been classified as a Variant of Uncertain Significance. Algorithms developed to predict the effect of missense changes on protein structure and function do not agree on the potential impact of this missense change (SIFT: "Tolerated"; PolyPhen-2: "Probably Damaging"; Align-GVGD: "Class C0").